The following is an entry in ClinVar:

NM_006950.3(SYN1):c.1543C>G (p.Pro515Ala)

Gene: SYN1 (synapsin I; minus strand). Cytogenetic location: Xp11.3.
Variant type: single nucleotide variant.
Coding change: c.1543C>G on transcript NM_006950.3 (MANE Select); coding-DNA position 1543, C replaced by G.
Protein change: p.Pro515Ala; replaces proline 515 with alanine.
Molecular consequence: missense variant.
Genome position (GRCh38, 1-based): chrX:47,574,441, G>C on the plus strand (C>G on the coding strand, the complement: SYN1 is on the minus strand). VCF-style: chrX-47574441-G-C. GRCh37 (hg19) VCF-style: chrX-47433840-G-C.
Other names: p.P515A:CCC>GCC; c.1543C>G, p.Pro515Ala (NM_133499.2); short protein forms P515A.
Identifiers: ClinVar variation 207474 (VCV000207474.2), dbSNP rs796053395, ClinGen allele CA318961.
Genomic context (GRCh38, chrX:47,574,441, plus strand): 5'-GCCGGGATTGGCGGCCTTGACCCTGGGTCGGCGGCGCGGCCTGGGACGCGGGCTGCTGGG[G>C]CGCTGAGGTGGGACTTGGAAGGCGCTGGGGCAGGGGGCTGCCAGCTGGGGGTCCAAGGCC-3'
Protein context (NP_008881.2, residues 505-525): PQRLPSPTSA[Pro515Ala]QQPASQAAPP

ClinVar aggregate classification (germline): Uncertain significance (1 of 4 stars; one submission).

Submission:

GeneDx
Classification: Uncertain significance. Last evaluated: 2013-06-14. Review status: criteria provided, single submitter. Criteria: GeneDx Variant Classification (06012015). Collection method: clinical testing. Allele origin: germline. Affected: yes.
Comment: p.Pro515Ala (CCC>GCC): c.1543 C>G in exon 12 of the SYN1 gene (NM_133499.2) The Pro515Ala missense change has not been published as a mutation, nor has it been reported as a benign polymorphism to our knowledge. It was not observed in approximately 3,000 individuals of European and African American ancestry in the NHLBI Exome Sequencing Project, indicating it is not a common benign variant in these populations. Although Proline and Alanine are both uncharged, non-polar amino acids, the loss of a bulky Proline residue may alter the secondary structure of the protein. However, it alters a poorly conserved position in the protein and multiple in silico algorithms predict it may be benign. Therefore, based on the currently available information, it is unclear whether Pro515Ala is a disease-causing mutation or a rare benign variant. The variant is found in EPILEPSY panel(s).